The following is an entry in ClinVar:

ClinVar aggregate classification (germline): Pathogenic (1 of 4 stars; one submission).

Conditions:
Senior-Loken syndrome 5 (SLSN5). Identifiers: Orphanet 3156, MedGen C1836517, MONDO:0012225, OMIM 609254.

gnomAD v4.1: 1 of 1,576,616 alleles (0.000063%); highest among the groups gnomAD compares: Non-Finnish European, 0.000087%; no homozygotes.

Submission:

Institute of Human Genetics, University of Leipzig Medical Center
Classification: Pathogenic for Senior-Loken syndrome 5. Last evaluated: 2025-10-17. Review status: criteria provided, single submitter. Criteria: ACMG Guidelines, 2015. Collection method: clinical testing. Allele origin: maternal. Inheritance: Autosomal recessive inheritance. Affected: yes.
Comment: Criteria applied: PVS1,PM2; Identified as compund heterozygous with NM_001023570.4:c.1518_1519del

NM_001023570.4(IQCB1):c.394-2A>G

Gene: IQCB1 (IQ motif containing B1; minus strand). Cytogenetic location: 3q13.33.
Variant type: single nucleotide variant.
Coding change: c.394-2A>G on transcript NM_001023570.4 (MANE Select); the canonical splice acceptor site of the intron before coding-DNA position 394, A replaced by G.
Molecular consequence: splice acceptor variant.
Genome position (GRCh38, 1-based): chr3:121,809,011, T>C on the plus strand (A>G on the coding strand, the complement: IQCB1 is on the minus strand). VCF-style: chr3-121809011-T-C. GRCh37 (hg19) VCF-style: chr3-121527858-T-C.
Other names: c.394-2A>G (NM_001319107.2, NM_001023571.4).
Identifiers: ClinVar variation 4530577 (VCV004530577.1).